The following is an entry in ClinVar:

NM_000458.4(HNF1B):c.1517del (p.Gln506fs)

Gene: HNF1B (HNF1 homeobox B; minus strand). Cytogenetic location: 17q12.
Variant type: Deletion.
Coding change: c.1517del on transcript NM_000458.4 (MANE Select); coding-DNA position 1517, one base deleted (A; older notation c.1517delA).
Protein change: p.Gln506fs; shifts the reading frame from glutamine 506.
Molecular consequence: frameshift variant. On other transcripts: intron variant (1).
Genome position (GRCh38, 1-based): chr17:37,701,000, T deleted on the plus strand (A on the coding strand, the reverse complement: HNF1B is on the minus strand). VCF-style (leftmost placement, unchanged base first): chr17-37700999-CT-C. GRCh37 (hg19) VCF-style: chr17-36061004-CT-C.
Other names: c.1439del, p.Gln480fs (NM_001165923.4); c.1261+3917del (NM_001304286.2); short protein forms Q480fs, Q506fs.
Identifiers: ClinVar variation 635580 (VCV000635580.1), dbSNP rs2511700116, ClinGen allele CA913190642.

ClinVar aggregate classification (germline): Pathogenic (1 of 4 stars; one submission).

Conditions:
Renal cysts and diabetes syndrome (RCAD). Also called: Familial hypoplastic, glomerulocystic kidney; MATURITY-ONSET DIABETES OF THE YOUNG, TYPE 5. Identifiers: Orphanet 93111, MedGen C0431693, MONDO:0007669, OMIM 137920.

Submission:

Institute of Human Genetics, FAU Erlangen, Friedrich-Alexander-Universität Erlangen-Nürnberg
Classification: Pathogenic for Renal cysts and diabetes syndrome. Last evaluated: 2019-07-06. Review status: criteria provided, single submitter. Criteria: ACMG Guidelines, 2015. Collection method: literature only. Allele origin: germline. Affected: yes.
Comment: This variant and it's classification has been reported by Vasileiou et al. 2019; DOI:10.1101/576918. The variants has previously been reported in LOVD:#0000344877 as "HNF1B:NM_000458.2:c.1517del (Gln506fs)" with clinical significance Pathogenic. It has been re-classified using InterVar and manual curation as Pathogenic based on PVS1 PM2 PP3.

Literature cited by the submitters: DOI 10.1101/576918.